The following is an entry in ClinVar:

ClinVar aggregate classification (germline): Benign. Review status: criteria provided, single submitter (1 of 4 stars). 2 submissions from 2 submitters: Benign (1). 1 of the submissions does not count toward it. Last evaluated 2025-09-29.

Conditions:
PLXNA2-related disorder. Also called: PLXNA2-related condition.

Allele frequency attached by ClinVar (database versions not stated): 1000 Genomes Project 30x 0.00078; gnomAD 0.00078 and 0.00083; 1000 Genomes Project 0.00080; TOPMed 0.00084; ESP Exome Variant Server 0.00100.
gnomAD v4.1: 279 of 1,614,010 alleles (0.017%); highest among the groups gnomAD compares: African/African-American, 0.26%; 1 homozygote.

Submissions (2):

Labcorp Genetics (formerly Invitae), Labcorp
Classification: Benign. Last evaluated: 2025-09-29. Review status: criteria provided, single submitter. Criteria: Invitae Variant Classification Sherloc (09022015). Collection method: clinical testing. Allele origin: germline.

PreventionGenetics, part of Exact Sciences
Classification: Likely benign for PLXNA2-related condition. Last evaluated: 2021-06-07. Review status: no assertion criteria provided. Collection method: clinical testing. Allele origin: germline. Not counted in ClinVar's aggregate classification.
Comment: This variant is classified as likely benign based on ACMG/AMP sequence variant interpretation guidelines (Richards et al. 2015 PMID: 25741868, with internal and published modifications).

NM_025179.4(PLXNA2):c.1248A>G (p.Ser416=)

Gene: PLXNA2 (plexin A2; minus strand). Cytogenetic location: 1q32.2.
Variant type: single nucleotide variant.
Coding change: c.1248A>G on transcript NM_025179.4 (MANE Select); coding-DNA position 1248, A replaced by G.
Protein change: p.Ser416=; no amino-acid change (serine 416 retained).
Molecular consequence: synonymous variant.
Genome position (GRCh38, 1-based): chr1:208,210,403, T>C on the plus strand (A>G on the coding strand, the complement: PLXNA2 is on the minus strand). VCF-style: chr1-208210403-T-C. GRCh37 (hg19) VCF-style: chr1-208383748-T-C.
Identifiers: ClinVar variation 723966 (VCV000723966.11), dbSNP rs139127977, ClinGen allele CA1373929.